The following is an entry in ClinVar:

ClinVar aggregate classification (germline): Likely benign. Review status: criteria provided, multiple submitters, no conflicts (2 of 4 stars). 4 submissions from 4 submitters: Likely benign (4). Last evaluated 2026-01-09.

Conditions:
Xeroderma pigmentosum (XP). Identifiers: Orphanet 910, MedGen C0043346, MONDO:0019600.
Fanconi anemia complementation group Q. Identifiers: Orphanet 84, MedGen C3808988, MONDO:0014108, OMIM 615272.
Cockayne syndrome. Identifiers: Orphanet 191, MedGen C0009207, MONDO:0016006.
Xeroderma pigmentosum, group F (XPF). Also called: XERODERMA PIGMENTOSUM VI; XP, GROUP F; ERCC4-Related Xeroderma Pigmentosum; XERODERMA PIGMENTOSUM, TYPE F; Xeroderma pigmentosum, type 6; XERODERMA PIGMENTOSUM, COMPLEMENTATION GROUP F. Identifiers: MedGen C0268140, MONDO:0010215, OMIM 278760.

Allele frequency attached by ClinVar (database versions not stated): ESP Exome Variant Server 0.00008; gnomAD 0.00014 and 0.00017; TOPMed 0.00032; 1000 Genomes Project 0.00040; 1000 Genomes Project 30x 0.00047.
gnomAD v4.1: 138 of 1,614,130 alleles (0.0085%); highest among the groups gnomAD compares: South Asian, 0.091%; 1 homozygote.

Submissions (4):

Labcorp Genetics (formerly Invitae), Labcorp
Classification: Likely benign for Fanconi anemia complementation group Q; Xeroderma pigmentosum, group F; Cockayne syndrome. Last evaluated: 2026-01-09. Review status: criteria provided, single submitter. Criteria: Invitae Variant Classification Sherloc (09022015). Collection method: clinical testing. Allele origin: germline.

CeGaT Center for Human Genetics Tuebingen
Classification: Likely benign. Last evaluated: 2023-07-01. Review status: criteria provided, single submitter. Criteria: CeGaT Center For Human Genetics Tuebingen Variant Classification Criteria Version 2. Collection method: clinical testing. Allele origin: germline. Affected: yes. Observed: 1 variant allele.
Comment: ERCC4: BP4, BP7

Blueprint Genetics
Classification: Likely benign. Last evaluated: 2022-06-13. Review status: criteria provided, single submitter. Criteria: ACMG Guidelines, 2015. Collection method: clinical testing. Allele origin: germline.

Sema4
Classification: Likely benign for Xeroderma pigmentosum. Last evaluated: 2021-11-06. Review status: criteria provided, single submitter. Criteria: Sema4 Curation Guidelines. Collection method: curation. Allele origin: germline.

NM_005236.3(ERCC4):c.2517C>T (p.Pro839=)

Gene: ERCC4 (ERCC excision repair 4, endonuclease catalytic subunit; plus strand). Cytogenetic location: 16p13.12.
Variant type: single nucleotide variant.
Coding change: c.2517C>T on transcript NM_005236.3 (MANE Select); coding-DNA position 2517, C replaced by T.
Protein change: p.Pro839=; no amino-acid change (proline 839 retained).
Molecular consequence: synonymous variant.
Genome position (GRCh38, 1-based): chr16:13,948,113, C>T. VCF-style: chr16-13948113-C-T. GRCh37 (hg19) VCF-style: chr16-14041970-C-T.
Identifiers: ClinVar variation 700435 (VCV000700435.32), dbSNP rs200715555, ClinGen allele CA7910759.